The following is an entry in ClinVar:

NM_005502.4(ABCA1):c.1406A>C (p.Lys469Thr)

Gene: ABCA1 (ATP binding cassette subfamily A member 1; minus strand). Cytogenetic location: 9q31.1.
Variant type: single nucleotide variant.
Coding change: c.1406A>C on transcript NM_005502.4 (MANE Select); coding-DNA position 1406, A replaced by C.
Protein change: p.Lys469Thr; replaces lysine 469 with threonine.
Molecular consequence: missense variant.
Genome position (GRCh38, 1-based): chr9:104,832,677, T>G on the plus strand (A>C on the coding strand, the complement: ABCA1 is on the minus strand). VCF-style: chr9-104832677-T-G. GRCh37 (hg19) VCF-style: chr9-107594958-T-G.
Other names: short protein forms K469T.
Identifiers: ClinVar variation 4990101 (VCV004990101.1).

ClinVar aggregate classification (germline): Uncertain significance (1 of 4 stars; one submission).

Conditions:
ABCA1-related disorder. Also called: ABCA1-related disorders; ABCA1-related condition. Identifiers: MedGen CN239173.

gnomAD v4.1: 4 of 1,614,228 alleles (0.00025%); highest among the groups gnomAD compares: African/African-American, 0.0013%; no homozygotes.

Submission:

PreventionGenetics, part of Exact Sciences
Classification: Uncertain significance for ABCA1-related condition. Last evaluated: 2026-08-25. Review status: criteria provided, single submitter. Criteria: ACMG Guidelines, 2015. Collection method: clinical testing. Allele origin: germline.
Comment: The ABCA1 c.1406A>C variant is predicted to result in the amino acid substitution p.Lys469Thr. To our knowledge, this variant has not been reported in the literature. This variant is reported in 0.00088% of alleles in individuals of European (non-Finnish) descent in gnomAD. At this time, the clinical significance of this variant is uncertain due to the absence of conclusive functional and genetic evidence.